The following is an entry in ClinVar:

ClinVar aggregate classification (germline): Uncertain significance. Review status: criteria provided, multiple submitters, no conflicts (2 of 4 stars). 2 submissions from 2 submitters: Uncertain significance (2). Last evaluated 2025-04-24.

Conditions:
Developmental and epileptic encephalopathy, 21 (DEE21). Also called: Early infantile epileptic encephalopathy 21. Identifiers: Orphanet 442835, MedGen C4014430, MONDO:0014360, OMIM 615833.
Inborn genetic diseases. Identifiers: MedGen C0950123, MeSH D030342.

Allele frequency attached by ClinVar (database versions not stated): TOPMed 0.00001; gnomAD 0.00001; gnomAD exomes below 0.00001; ExAC 0.00001.
gnomAD v4.1: 11 of 1,613,764 alleles (0.00068%); highest among the groups gnomAD compares: Middle Eastern, 0.017%; no homozygotes.

Submissions (2):

Ambry Genetics
Classification: Uncertain significance for Inborn genetic diseases. Last evaluated: 2025-04-24. Review status: criteria provided, single submitter. Criteria: Ambry Variant Classification Scheme 2023. Collection method: clinical testing. Allele origin: germline.

Labcorp Genetics (formerly Invitae), Labcorp
Classification: Uncertain significance for Developmental and epileptic encephalopathy, 21. Last evaluated: 2022-09-07. Review status: criteria provided, single submitter. Criteria: Invitae Variant Classification Sherloc (09022015). Collection method: clinical testing. Allele origin: germline.
Comment: This sequence change replaces arginine, which is basic and polar, with histidine, which is basic and polar, at codon 102 of the NECAP1 protein (p.Arg102His). The frequency data for this variant in the population databases is considered unreliable, as metrics indicate poor data quality at this position in the gnomAD database. This variant has not been reported in the literature in individuals affected with NECAP1-related conditions. ClinVar contains an entry for this variant (Variation ID: 1020404). Algorithms developed to predict the effect of missense changes on protein structure and function are either unavailable or do not agree on the potential impact of this missense change (SIFT: "Deleterious"; PolyPhen-2: "Benign"; Align-GVGD: "Class C0"). In summary, the available evidence is currently insufficient to determine the role of this variant in disease. Therefore, it has been classified as a Variant of Uncertain Significance.

NM_015509.4(NECAP1):c.305G>A (p.Arg102His)

Gene: NECAP1 (NECAP endocytosis associated 1; plus strand). Cytogenetic location: 12p13.31.
Variant type: single nucleotide variant.
Coding change: c.305G>A on transcript NM_015509.4 (MANE Select); coding-DNA position 305, G replaced by A.
Protein change: p.Arg102His; replaces arginine 102 with histidine.
Molecular consequence: missense variant.
Genome position (GRCh38, 1-based): chr12:8,091,772, G>A. VCF-style: chr12-8091772-G-A. GRCh37 (hg19) VCF-style: chr12-8244368-G-A.
Other names: c.305G>A (NM_015509.3); short protein forms R102H.
Identifiers: ClinVar variation 1020404 (VCV001020404.6), dbSNP rs766363501, ClinGen allele CA6432238.